The following is an entry in ClinVar:

NM_006516.4(SLC2A1):c.1092G>C (p.Met364Ile)

Gene: SLC2A1 (solute carrier family 2 member 1; minus strand). Cytogenetic location: 1p34.2.
Variant type: single nucleotide variant.
Coding change: c.1092G>C on transcript NM_006516.4 (MANE Select); coding-DNA position 1092, G replaced by C.
Protein change: p.Met364Ile; replaces methionine 364 with isoleucine.
Molecular consequence: missense variant.
Genome position (GRCh38, 1-based): chr1:42,927,791, C>G on the plus strand (G>C on the coding strand, the complement: SLC2A1 is on the minus strand). VCF-style: chr1-42927791-C-G. GRCh37 (hg19) VCF-style: chr1-43393462-C-G.
Other names: short protein forms M364I.
Identifiers: ClinVar variation 5021068 (VCV005021068.1).
Genomic context (GRCh38, chr1:42,927,791, plus strand): 5'-GCCAGGACCCACTTCAAAGAAGGCCACAAAGCCAAAGATGGCCACGATGCTCAGATAGGA[C>G]ATCCAGGGTAGCTGCTCCTGTTGAGGATGACGGAGAGGGGGAAAAGTTAGACTGGGTTGT-3'
Protein context (NP_006507.2, residues 354-374): ALALLEQLPW[Met364Ile]SYLSIVAIFG

ClinVar aggregate classification (germline): Uncertain significance (1 of 4 stars; one submission).

Submission:

Dasa
Classification: Uncertain significance. Last evaluated: 2024-10-11. Review status: criteria provided, single submitter. Criteria: DASA Assertion Criteria. Collection method: clinical testing. Allele origin: germline.
Comment: NM_006516.4(SLC2A1):c.1092G>C (p.Met364Ile) is a missense variant that results in the substitution of methionine with isoleucine. This variant is absent from population databases. Computational prediction algorithms are consistent with a benign effect. The currently available literature and clinical evidence are not sufficient to establish a definitive association between this variant and the reported condition. Therefore, this variant is classified as a variant of uncertain significance.